The following is an entry in ClinVar:

ClinVar aggregate classification (germline): Uncertain significance (1 of 4 stars; one submission).

Allele frequency attached by ClinVar (database versions not stated): TOPMed below 0.00001; ExAC 0.00001; gnomAD 0.00001; gnomAD exomes 0.00001 and 0.00002.
gnomAD v4.1: 16 of 1,606,932 alleles (0.001%); highest among the groups gnomAD compares: Non-Finnish European, 0.001%; no homozygotes.

Submission:

GeneDx
Classification: Uncertain significance. Last evaluated: 2022-01-17. Review status: criteria provided, single submitter. Criteria: GeneDx Variant Classification Process June 2021. Collection method: clinical testing. Allele origin: germline. Affected: yes.
Comment: In silico analysis supports that this missense variant has a deleterious effect on protein structure/function; Has not been previously published as pathogenic or benign to our knowledge

NM_001378452.1(ITPR1):c.6779A>G (p.Asn2260Ser)

Gene: ITPR1 (inositol 1,4,5-trisphosphate receptor type 1; plus strand). Cytogenetic location: 3p26.1.
Variant type: single nucleotide variant.
Coding change: c.6779A>G on transcript NM_001378452.1 (MANE Select); coding-DNA position 6779, A replaced by G.
Protein change: p.Asn2260Ser; replaces asparagine 2260 with serine.
Molecular consequence: missense variant.
Genome position (GRCh38, 1-based): chr3:4,788,110, A>G. VCF-style: chr3-4788110-A-G. GRCh37 (hg19) VCF-style: chr3-4829794-A-G.
Other names: c.6635A>G, p.Asn2212Ser (NM_001099952.4); c.6734A>G, p.Asn2245Ser (NM_001168272.2); c.6590A>G, p.Asn2197Ser (NM_002222.7); short protein forms N2197S, N2212S, N2245S, N2260S.
Identifiers: ClinVar variation 1335857 (VCV001335857.3), dbSNP rs745310231, ClinGen allele CA2232665.
Genomic context (GRCh38, chr3:4,788,110, plus strand): 5'-AGAGAGACGAACAAGGCAGCAAAATCAATGATTTCTTTCTGCGGTCTGAAGACCTCTTCA[A>G]TGAAATGAATTGGCAGAAGAAACTGAGAGGTGGGTTCCAACGCATCAGCAACAACACAGA-3'
Protein context (NP_001365381.1, residues 2250-2270): DFFLRSEDLF[Asn2260Ser]EMNWQKKLRA